The following is an entry in ClinVar:

NM_015559.3(SETBP1):c.764A>G (p.Glu255Gly)

Gene: SETBP1 (SET binding protein 1; plus strand). Cytogenetic location: 18q12.3.
Variant type: single nucleotide variant.
Coding change: c.764A>G on transcript NM_015559.3 (MANE Select); coding-DNA position 764, A replaced by G.
Protein change: p.Glu255Gly; replaces glutamic acid 255 with glycine.
Molecular consequence: missense variant.
Genome position (GRCh38, 1-based): chr18:44,950,104, A>G. VCF-style: chr18-44950104-A-G. GRCh37 (hg19) VCF-style: chr18-42530069-A-G.
Other names: c.764A>G, p.Glu255Gly (NM_001379141.1, NM_001379142.1); short protein forms E255G.
Identifiers: ClinVar variation 1391335 (VCV001391335.6), dbSNP rs2145093347, ClinGen allele CA402316788.

ClinVar aggregate classification (germline): Uncertain significance (1 of 4 stars; one submission).

Submission:

Labcorp Genetics (formerly Invitae), Labcorp
Classification: Uncertain significance. Last evaluated: 2021-11-05. Review status: criteria provided, single submitter. Criteria: Invitae Variant Classification Sherloc (09022015). Collection method: clinical testing. Allele origin: germline.
Comment: In summary, the available evidence is currently insufficient to determine the role of this variant in disease. Therefore, it has been classified as a Variant of Uncertain Significance. Algorithms developed to predict the effect of missense changes on protein structure and function (SIFT, PolyPhen-2, Align-GVGD) all suggest that this variant is likely to be disruptive. This variant has not been reported in the literature in individuals affected with SETBP1-related conditions. This variant is not present in population databases (gnomAD no frequency). This sequence change replaces glutamic acid, which is acidic and polar, with glycine, which is neutral and non-polar, at codon 255 of the SETBP1 protein (p.Glu255Gly).